The following is an entry in ClinVar:

ClinVar aggregate classification (germline): Uncertain significance (1 of 4 stars; one submission).

Conditions:
Autosomal dominant hypocalcemia 1 (HYPOC1). Also called: HYPOCALCEMIA, FAMILIAL. Identifiers: MedGen C3715128, MONDO:0011013, OMIM 601198.
Familial hypocalciuric hypercalcemia (FHH). Also called: Familial benign hypercalcemia. Identifiers: Orphanet 405, MedGen C1809471, MONDO:0018458.

Submission:

Labcorp Genetics (formerly Invitae), Labcorp
Classification: Uncertain significance for Familial hypocalciuric hypercalcemia; Autosomal dominant hypocalcemia 1. Last evaluated: 2023-02-10. Review status: criteria provided, single submitter. Criteria: Invitae Variant Classification Sherloc (09022015). Collection method: clinical testing. Allele origin: germline.
Comment: This variant is not present in population databases (gnomAD no frequency). This sequence change replaces alanine, which is neutral and non-polar, with threonine, which is neutral and polar, at codon 887 of the CASR protein (p.Ala887Thr). This variant has not been reported in the literature in individuals affected with CASR-related conditions. In summary, the available evidence is currently insufficient to determine the role of this variant in disease. Therefore, it has been classified as a Variant of Uncertain Significance. Algorithms developed to predict the effect of missense changes on protein structure and function (SIFT, PolyPhen-2, Align-GVGD) all suggest that this variant is likely to be disruptive.

NM_000388.4(CASR):c.2659G>A (p.Ala887Thr)

Gene: CASR (calcium sensing receptor; plus strand). Cytogenetic location: 3q21.1.
Variant type: single nucleotide variant.
Coding change: c.2659G>A on transcript NM_000388.4 (MANE Select); coding-DNA position 2659, G replaced by A.
Protein change: p.Ala887Thr; replaces alanine 887 with threonine.
Molecular consequence: missense variant.
Genome position (GRCh38, 1-based): chr3:122,284,613, G>A. VCF-style: chr3-122284613-G-A. GRCh37 (hg19) VCF-style: chr3-122003460-G-A.
Other names: c.2689G>A, p.Ala897Thr (NM_001178065.2); short protein forms A897T, A887T.
Identifiers: ClinVar variation 2944118 (VCV002944118.3), dbSNP rs2473281220, ClinGen allele CA354160506.